The following is an entry in ClinVar:

ClinVar aggregate classification (germline): Uncertain significance (1 of 4 stars; one submission).

Allele frequency attached by ClinVar (database versions not stated): gnomAD exomes below 0.00001.
gnomAD v4.1: 1 of 1,613,540 alleles (0.000062%); highest among the groups gnomAD compares: East Asian, 0.0022%; no homozygotes.

Submission:

Laboratory for Molecular Medicine, Mass General Brigham Personalized Medicine
Classification: Uncertain significance. Last evaluated: 2020-06-01. Review status: criteria provided, single submitter. Criteria: LMM Criteria. Collection method: clinical testing. Allele origin: germline. Observed: 1 variant allele.
Comment: The p.Glu1193Asp variant in PCDH15 has not been previously reported in individuals with hearing loss or Usher syndrome but has been identified in 0.005% (1/18394) of East Asian chromosomes by gnomAD. Computational prediction tools and conservation analyses suggest that this variant may not impact the protein, though this information is not predictive enough to rule out pathogenicity. In summary, the clinical significance of this variant is uncertain. ACMG/AMP Criteria applied: PM2, BP4.

NM_001384140.1(PCDH15):c.3579A>C (p.Glu1193Asp)

Gene: PCDH15 (protocadherin related 15; minus strand). Cytogenetic location: 10q21.1.
Variant type: single nucleotide variant.
Coding change: c.3579A>C on transcript NM_001384140.1 (MANE Select); coding-DNA position 3579, A replaced by C.
Protein change: p.Glu1193Asp; replaces glutamic acid 1193 with aspartic acid.
Molecular consequence: missense variant.
Genome position (GRCh38, 1-based): chr10:53,866,780, T>G on the plus strand (A>C on the coding strand, the complement: PCDH15 is on the minus strand). VCF-style: chr10-53866780-T-G. GRCh37 (hg19) VCF-style: chr10-55626540-T-G.
Other names: c.3594A>C, p.Glu1198Asp (NM_001142763.2, NM_001142771.2); c.3579A>C, p.Glu1193Asp (NM_001142764.2, NM_001142766.2, NM_001142770.3 and 4 more transcripts); c.3366A>C, p.Glu1122Asp (NM_001142765.2); c.3468A>C, p.Glu1156Asp (NM_001142767.2); c.3513A>C, p.Glu1171Asp (NM_001142768.2, NM_001142773.2, NM_001354404.2); c.3615A>C, p.Glu1205Asp (NM_001142769.4); c.3600A>C, p.Glu1200Asp (NM_001354411.2); short protein forms E1122D, E1156D, E1171D, E1193D, E1198D, E1200D, E1205D.
Identifiers: ClinVar variation 1120072 (VCV001120072.4), dbSNP rs1564640040, ClinGen allele CA376518048.
Genomic context (GRCh38, chr10:53,866,780, plus strand): 5'-CATATTATGGAAGAGCATAGCAGTTTTGATAAGCCCTGTATATGTTTCCACTACAAATCC[T>G]TCTTTTCCCTCTTTAATTGGTGGTATTATGAGTCTGTAGGCCATGACACTATAATTGCCA-3'
Protein context (NP_001371069.1, residues 1183-1203): LIIPPIKEGK[Glu1193Asp]GFVVETYTGL